The following is an entry in ClinVar:

ClinVar aggregate classification (germline): Likely benign. Review status: criteria provided, multiple submitters, no conflicts (2 of 4 stars). 4 submissions from 4 submitters: Likely benign (4). Last evaluated 2025-11-23.

Conditions:
Cardiovascular phenotype. Identifiers: MedGen CN230736.
Myofibrillar myopathy 4. Also called: Zaspopathy (type). Identifiers: Orphanet 98912, MedGen C4721886, MONDO:0012277, OMIM 609452.

Allele frequency attached by ClinVar (database versions not stated): gnomAD exomes 0.00002 and 0.00005; ExAC 0.00008; 1000 Genomes Project 30x 0.00016; 1000 Genomes Project 0.00020; TOPMed 0.00020; gnomAD 0.00022 and 0.00024; ESP Exome Variant Server 0.00023.
gnomAD v4.1: 62 of 1,613,904 alleles (0.0038%); highest among the groups gnomAD compares: African/African-American, 0.079%; no homozygotes.

Submissions (4):

Labcorp Genetics (formerly Invitae), Labcorp
Classification: Likely benign for Myofibrillar myopathy 4. Last evaluated: 2025-11-23. Review status: criteria provided, single submitter. Criteria: Invitae Variant Classification Sherloc (09022015). Collection method: clinical testing. Allele origin: germline.

Blueprint Genetics
Classification: Likely benign. Last evaluated: 2019-11-11. Review status: criteria provided, single submitter. Criteria: ACMG Guidelines, 2015. Collection method: clinical testing. Allele origin: germline.

Ambry Genetics
Classification: Likely benign for Cardiovascular phenotype. Last evaluated: 2016-01-21. Review status: criteria provided, single submitter. Criteria: Ambry Variant Classification Scheme 2023. Collection method: clinical testing. Allele origin: germline.

Laboratory for Molecular Medicine, Mass General Brigham Personalized Medicine
Classification: Likely benign. Last evaluated: 2012-03-19. Review status: criteria provided, single submitter. Criteria: LMM Criteria. Collection method: clinical testing. Allele origin: germline. Observed: 1 variant allele.
Comment: Ala501Ala in exon 12 of LDB3: This variant is not expected to have clinical sign ificance because it does not alter an amino acid residue and is not located with in the splice consensus sequence. It has been identified in 0.1% (2/3738) of Afr ican American chromosomes from a broad population by the NHLBI Exome Sequencing Project (dbSNP rs147692024). Ala501Ala in exo n 12 of LDB3 (rs147692024; allele frequency = 0.1%, 2/3738) **

NM_007078.3(LDB3):c.1503C>T (p.Ala501=)

Gene: LDB3 (LIM domain binding 3; plus strand). Cytogenetic location: 10q23.2.
Variant type: single nucleotide variant.
Coding change: c.1503C>T on transcript NM_007078.3 (MANE Select); coding-DNA position 1503, C replaced by T.
Protein change: p.Ala501=; no amino-acid change (alanine 501 retained).
Molecular consequence: synonymous variant.
Genome position (GRCh38, 1-based): chr10:86,716,598, C>T. VCF-style: chr10-86716598-C-T. GRCh37 (hg19) VCF-style: chr10-88476355-C-T.
Other names: c.1173C>T, p.Ala391= (NM_001080114.2); c.1518C>T, p.Ala506= (NM_001171610.2); c.1314C>T, p.Ala438= (NM_001368064.1, NM_001368065.1); c.1362C>T, p.Ala454= (NM_001368066.1).
Identifiers: ClinVar variation 45525 (VCV000045525.18), dbSNP rs147692024, ClinGen allele CA136533.